The following is an entry in ClinVar:

ClinVar aggregate classification (germline): Uncertain significance (1 of 4 stars; one submission).

Conditions:
Cardiovascular phenotype. Identifiers: MedGen CN230736.

Submission:

Ambry Genetics
Classification: Uncertain significance for Cardiovascular phenotype. Last evaluated: 2024-12-03. Review status: criteria provided, single submitter. Criteria: Ambry Variant Classification Scheme 2023. Collection method: clinical testing. Allele origin: germline.
Comment: The c.67308_67310delAAT variant (also known as p.I22436del) is located in coding exon 167 of the TTN gene. This variant results from an in-frame AAT deletion at nucleotide positions 67308 to 67310. This results in the in-frame deletion of an isoleucine at codon 22436. This amino acid position is poorly conserved in available vertebrate species. In addition, this alteration is predicted to be deleterious by in silico analysis (Choi Y et al. PLoS ONE. 2012; 7(10):e46688). Based on the available evidence, the clinical significance of this variant remains unclear.

NM_001267550.2(TTN):c.94503_94505del (p.Ile31501del)

Genes: TTN (titin; minus strand), TTN-AS1 (TTN antisense RNA 1; plus strand). Cytogenetic location: 2q31.2.
Variant type: Deletion.
Coding change: c.94503_94505del on transcript NM_001267550.2 (MANE Select); coding-DNA positions 94503 to 94505, 3 bases deleted (AAT; older notation c.94503_94505delAAT).
Protein change: p.Ile31501del; deletes isoleucine 31501.
Genome position (GRCh38, 1-based): chr2:178,547,020-178,547,022, ATT deleted on the plus strand (AAT on the coding strand, the reverse complement: TTN is on the minus strand); deleting any 3 consecutive bases within chr2:178,547,020-178,547,024 gives the same sequence; the c. name uses the placement nearest the transcript's 3' end. VCF-style (leftmost placement, unchanged base first): chr2-178547019-CATT-C. GRCh37 (hg19) VCF-style: chr2-179411746-CATT-C.
Other names: c.89580_89582del, p.Ile29860del (NM_001256850.1); c.67308_67310del, p.Ile22436del (NM_003319.4); c.86799_86801del, p.Ile28933del (NM_133378.4); c.67683_67685del, p.Ile22561del (NM_133432.3); c.67884_67886del, p.Ile22628del (NM_133437.4); c.67308_67310delAAT (NM_003319.4); short protein forms I22561del, I31501del, I22628del, I28933del, I29860del, I22436del.
Identifiers: ClinVar variation 3464251 (VCV003464251.1).